The following is an entry in ClinVar:

ClinVar aggregate classification (germline): Pathogenic. Review status: criteria provided, multiple submitters, no conflicts (2 of 4 stars). 3 submissions from 3 submitters: Pathogenic (2). 1 of the submissions does not count toward it. Last evaluated 2024-03-20.

Conditions:
X-linked sideroblastic anemia 1. Also called: Erythroid 5-aminolevulinate synthase deficiency; X chromosome-linked sideroblastic anemia; ANEMIA, SIDEROBLASTIC, 1, PYRIDOXINE REFRACTORY; X-linked pyridoxine-refractory sideroblastic anemia; Anemia, sideroblastic, 1; Anemia, hereditary sideroblastic 1, pyridoxine refractory. Identifiers: Orphanet 75563, MedGen C4551511, MONDO:0020721, OMIM 300751. Disease mechanism: loss of function.

Submissions (3):

ARUP Laboratories, Molecular Genetics and Genomics, ARUP Laboratories
Classification: Pathogenic. Last evaluated: 2024-03-20. Review status: criteria provided, single submitter. Criteria: ARUP Molecular Germline Variant Investigation Process 2024. Collection method: clinical testing. Allele origin: germline.
Comment: The ALAS2 c.1231C>T; p.Arg411Cys variant (rs137852305) is reported in the literature in individuals affected with X-linked sideroblastic anemia (Bergmann 2010, Furuyama 1998, Li 2020, Ohba 2013). This variant is also reported in ClinVar (Variation ID: 10475). This variant is absent from the Genome Aggregation Database (v2.1.1), indicating it is not a common polymorphism. Functional analyses of the variant protein show reduced enzymatic activity compared to wild type protein (Ducamp 2011, Furuyama 1998). Computational analyses predict that this variant is deleterious (REVEL: 0.962). Based on available information, this variant is considered to be pathogenic. References: Bergmann AK et al. Systematic molecular genetic analysis of congenital sideroblastic anemia: evidence for genetic heterogeneity and identification of novel mutations. Pediatric blood & cancer. 2010 Feb. PMID: 19731322. Ducamp S et al. Sideroblastic anemia: molecular analysis of the ALAS2 gene in a series of 29 probands and functional studies of 10 missense mutations. Hum Mutat. 2011 Jun. PMID: 21309041. Furuyama K et al. R411C mutation of the ALAS2 gene encodes a pyridoxine-responsive enzyme with low activity. Br J Haematol. 1998 Dec. PMID: 9858242. Li J et al. Novel mutations in the ALAS2 gene from patients with X-linked sideroblastic anemia. Int J Lab Hematol. 2020 Aug. PMID: 32297424. Ohba R et al. Clinical and genetic characteristics of congenital sideroblastic anemia: comparison with myelodysplastic syndrome with ring sideroblast (MDS-RS). Annals of Hematology. 2013 PMID: 22983749.

Labcorp Genetics (formerly Invitae), Labcorp
Classification: Pathogenic. Last evaluated: 2023-12-22. Review status: criteria provided, single submitter. Criteria: Invitae Variant Classification Sherloc (09022015). Collection method: clinical testing. Allele origin: germline.
Comment: This sequence change replaces arginine, which is basic and polar, with cysteine, which is neutral and slightly polar, at codon 411 of the ALAS2 protein (p.Arg411Cys). This variant is not present in population databases (gnomAD no frequency). This missense change has been observed in individuals with sideroblastic anemia (PMID: 7592563, 9858242, 32297424). ClinVar contains an entry for this variant (Variation ID: 10475). Advanced modeling of protein sequence and biophysical properties (such as structural, functional, and spatial information, amino acid conservation, physicochemical variation, residue mobility, and thermodynamic stability) has been performed at Invitae for this missense variant, however the output from this modeling did not meet the statistical confidence thresholds required to predict the impact of this variant on ALAS2 protein function. Experimental studies have shown that this missense change affects ALAS2 function (PMID: 9858242, 21309041). For these reasons, this variant has been classified as Pathogenic.

OMIM
Classification: Pathogenic for ANEMIA, SIDEROBLASTIC, 1. Last evaluated: 1998-12-01. Review status: no assertion criteria provided. Collection method: literature only. Allele origin: germline. Not counted in ClinVar's aggregate classification.

Literature cited by the submitters: PubMed 7592563 (cited by Labcorp Genetics (formerly Invitae), Labcorp); PubMed 9858242 (cited by Labcorp Genetics (formerly Invitae), Labcorp and OMIM); PubMed 32297424 (cited by Labcorp Genetics (formerly Invitae), Labcorp); PubMed 21309041 (cited by Labcorp Genetics (formerly Invitae), Labcorp).

NM_000032.5(ALAS2):c.1231C>T (p.Arg411Cys)

Gene: ALAS2 (5'-aminolevulinate synthase 2; minus strand). Cytogenetic location: Xp11.21.
Variant type: single nucleotide variant.
Coding change: c.1231C>T on transcript NM_000032.5 (MANE Select); coding-DNA position 1231, C replaced by T.
Protein change: p.Arg411Cys; replaces arginine 411 with cysteine.
Molecular consequence: missense variant.
Genome position (GRCh38, 1-based): chrX:55,014,953, G>A on the plus strand (C>T on the coding strand, the complement: ALAS2 is on the minus strand). VCF-style: chrX-55014953-G-A. GRCh37 (hg19) VCF-style: chrX-55041386-G-A.
Other names: c.1231C>T, p.Arg411Cys (LRG_1163t1); c.1120C>T, p.Arg374Cys (NM_001037967.4); c.1192C>T, p.Arg398Cys (NM_001037968.4); short protein forms R411C, R398C, R374C.
Identifiers: ClinVar variation 10475 (VCV000010475.5), dbSNP rs137852305, ClinGen allele CA121087.